The following is an entry in ClinVar:

NM_001232.4(CASQ2):c.470C>G (p.Ala157Gly)

Gene: CASQ2 (calsequestrin 2; minus strand). Cytogenetic location: 1p13.1.
Variant type: single nucleotide variant.
Coding change: c.470C>G on transcript NM_001232.4 (MANE Select); coding-DNA position 470, C replaced by G.
Protein change: p.Ala157Gly; replaces alanine 157 with glycine.
Molecular consequence: missense variant.
Genome position (GRCh38, 1-based): chr1:115,738,286, G>C on the plus strand (C>G on the coding strand, the complement: CASQ2 is on the minus strand). VCF-style: chr1-115738286-G-C. GRCh37 (hg19) VCF-style: chr1-116280907-G-C.
Other names: short protein forms A157G.
Identifiers: ClinVar variation 3827602 (VCV003827602.2).

ClinVar aggregate classification (germline): Uncertain significance. Review status: criteria provided, multiple submitters, no conflicts (2 of 4 stars). 2 submissions from 2 submitters: Uncertain significance (2). Last evaluated 2025-09-06.

Conditions:
Cardiovascular phenotype. Identifiers: MedGen CN230736.
Catecholaminergic polymorphic ventricular tachycardia 1. Also called: VENTRICULAR TACHYCARDIA, STRESS-INDUCED POLYMORPHIC 1; VENTRICULAR TACHYCARDIA, CATECHOLAMINERGIC POLYMORPHIC, 1, WITH OR WITHOUT ATRIAL DYSFUNCTION AND/OR DILATED CARDIOMYOPATHY; RYR2-Related Catecholaminergic Polymorphic Ventricular Tachycardia. Identifiers: Orphanet 3286, MedGen C1631597, MONDO:0011484, OMIM 604772.

Submissions (2):

Labcorp Genetics (formerly Invitae), Labcorp
Classification: Uncertain significance for Catecholaminergic polymorphic ventricular tachycardia 1. Last evaluated: 2025-09-06. Review status: criteria provided, single submitter. Criteria: Invitae Variant Classification Sherloc (09022015). Collection method: clinical testing. Allele origin: germline.
Comment: This sequence change replaces alanine, which is neutral and non-polar, with glycine, which is neutral and non-polar, at codon 157 of the CASQ2 protein (p.Ala157Gly). This variant is not present in population databases (gnomAD no frequency). This variant has not been reported in the literature in individuals affected with CASQ2-related conditions. ClinVar contains an entry for this variant (Variation ID: 3827602). Invitae Evidence Modeling of protein sequence and biophysical properties (such as structural, functional, and spatial information, amino acid conservation, physicochemical variation, residue mobility, and thermodynamic stability) has been performed for this missense variant. However, the output from this modeling did not meet the statistical confidence thresholds required to predict the impact of this variant on CASQ2 protein function. In summary, the available evidence is currently insufficient to determine the role of this variant in disease. Therefore, it has been classified as a Variant of Uncertain Significance.

Ambry Genetics
Classification: Uncertain significance for Cardiovascular phenotype. Last evaluated: 2025-01-06. Review status: criteria provided, single submitter. Criteria: Ambry Variant Classification Scheme 2023. Collection method: clinical testing. Allele origin: germline.
Comment: The p.A157G variant (also known as c.470C>G), located in coding exon 4 of the CASQ2 gene, results from a C to G substitution at nucleotide position 470. The alanine at codon 157 is replaced by glycine, an amino acid with similar properties. This amino acid position is conserved. In addition, the in silico prediction for this alteration is inconclusive. Based on the available evidence, the clinical significance of this variant remains unclear.